The following is an entry in ClinVar:

ClinVar aggregate classification (germline): Likely pathogenic. Review status: criteria provided, multiple submitters, no conflicts (2 of 4 stars). 3 submissions from 3 submitters: Likely pathogenic (3). Last evaluated 2025-06-22.

Conditions:
Retinitis pigmentosa 12 (RP12). Also called: RP WITH OR WITHOUT PPRPE; RP WITH OR WITHOUT PRESERVED PARAARTERIOLE RETINAL PIGMENT EPITHELIUM; RETINITIS PIGMENTOSA WITH OR WITHOUT PARAARTERIOLAR PRESERVATION OF RETINAL PIGMENT EPITHELIUM. Identifiers: Orphanet 791, MedGen C1838647, MONDO:0010818, OMIM 600105.
Leber congenital amaurosis 8 (LCA8). Identifiers: Orphanet 65, MedGen C3151202, MONDO:0013453, OMIM 613835.
Leber congenital amaurosis (LCA). Also called: Leber's amaurosis. Identifiers: Orphanet 65, MedGen C0339527, MeSH D057130, MONDO:0018998.

Allele frequency attached by ClinVar (database versions not stated): TOPMed 0.00001.

Submissions (3):

Natera, Inc.
Classification: Likely pathogenic for Leber congenital amaurosis. Last evaluated: 2025-06-22. Review status: criteria provided, single submitter. Criteria: Natera Variant Classification Schema (03/2026). Collection method: clinical testing. Allele origin: germline.
Comment: The c.71-2A>G variant in CRB1 is a canonical splice acceptor site variant predicted to affect pre-mRNA splicing, which may result in an abnormal transcript and altered protein product. This variant is expected to result in nonsense mediated decay, truncation, or a dysfunctional protein product. This variant is rare in the general population with a frequency below the threshold expected for the associated phenotype(s). Given the available evidence, this variant is classified as Likely Pathogenic.

Labcorp Genetics (formerly Invitae), Labcorp
Classification: Likely pathogenic for Leber congenital amaurosis 8; Retinitis pigmentosa 12. Last evaluated: 2024-10-24. Review status: criteria provided, single submitter. Criteria: Invitae Variant Classification Sherloc (09022015). Collection method: clinical testing. Allele origin: germline.
Comment: This sequence change affects an acceptor splice site in intron 1 of the CRB1 gene. It is expected to disrupt RNA splicing. Variants that disrupt the donor or acceptor splice site typically lead to a loss of protein function (PMID: 16199547), and loss-of-function variants in CRB1 are known to be pathogenic (PMID: 10508521, 22065545, 23379534, 25412400, 26957898, 28041643, 29391521). This variant is not present in population databases (gnomAD no frequency). This variant has not been reported in the literature in individuals affected with CRB1-related conditions. ClinVar contains an entry for this variant (Variation ID: 1067703). Algorithms developed to predict the effect of sequence changes on RNA splicing suggest that this variant may disrupt the consensus splice site. In summary, the currently available evidence indicates that the variant is pathogenic, but additional data are needed to prove that conclusively. Therefore, this variant has been classified as Likely Pathogenic.

Baylor Genetics
Classification: Likely pathogenic for Leber congenital amaurosis 8. Last evaluated: 2023-10-25. Review status: criteria provided, single submitter. Criteria: ACMG Guidelines, 2015. Collection method: clinical testing. Allele origin: unknown.

Literature cited by the submitters: PubMed 16199547 (cited by Labcorp Genetics (formerly Invitae), Labcorp); PubMed 10508521 (cited by Labcorp Genetics (formerly Invitae), Labcorp); PubMed 22065545 (cited by Labcorp Genetics (formerly Invitae), Labcorp); PubMed 23379534 (cited by Labcorp Genetics (formerly Invitae), Labcorp); PubMed 25412400 (cited by Labcorp Genetics (formerly Invitae), Labcorp); PubMed 26957898 (cited by Labcorp Genetics (formerly Invitae), Labcorp); PubMed 28041643 (cited by Labcorp Genetics (formerly Invitae), Labcorp); PubMed 29391521 (cited by Labcorp Genetics (formerly Invitae), Labcorp).

NM_201253.3(CRB1):c.71-2A>G

Gene: CRB1 (crumbs cell polarity complex component 1; plus strand). Cytogenetic location: 1q31.3.
Variant type: single nucleotide variant.
Coding change: c.71-2A>G on transcript NM_201253.3 (MANE Select); the canonical splice acceptor site of the intron before coding-DNA position 71, A replaced by G.
Molecular consequence: splice acceptor variant.
Genome position (GRCh38, 1-based): chr1:197,328,420, A>G. VCF-style: chr1-197328420-A-G. GRCh37 (hg19) VCF-style: chr1-197297550-A-G.
Other names: c.71-2A>G (NM_201253.2, NM_001257966.2, NM_001193640.2); c.-137-2A>G (NM_001257965.2).
Identifiers: ClinVar variation 1067703 (VCV001067703.10), dbSNP rs1383691293, ClinGen allele CA344084945.